The following is an entry in ClinVar:

ClinVar aggregate classification (germline): Uncertain significance (1 of 4 stars; one submission).

Allele frequency attached by ClinVar (database versions not stated): gnomAD exomes below 0.00001; TOPMed below 0.00001; ExAC 0.00001; gnomAD 0.00001; ESP Exome Variant Server 0.00008.
gnomAD v4.1: 3 of 1,613,634 alleles (0.00019%); highest among the groups gnomAD compares: African/African-American, 0.0013%; no homozygotes.

Submission:

Labcorp Genetics (formerly Invitae), Labcorp
Classification: Uncertain significance. Last evaluated: 2022-07-21. Review status: criteria provided, single submitter. Criteria: Invitae Variant Classification Sherloc (09022015). Collection method: clinical testing. Allele origin: germline.
Comment: This sequence change replaces glycine, which is neutral and non-polar, with glutamic acid, which is acidic and polar, at codon 1026 of the ERCC6 protein (p.Gly1026Glu). This variant is present in population databases (rs373893264, gnomAD 0.007%). This variant has not been reported in the literature in individuals affected with ERCC6-related conditions. Algorithms developed to predict the effect of missense changes on protein structure and function (SIFT, PolyPhen-2, Align-GVGD) all suggest that this variant is likely to be disruptive. In summary, the available evidence is currently insufficient to determine the role of this variant in disease. Therefore, it has been classified as a Variant of Uncertain Significance.

NM_000124.4(ERCC6):c.3077G>A (p.Gly1026Glu)

Gene: ERCC6 (ERCC excision repair 6, chromatin remodeling factor; minus strand). Cytogenetic location: 10q11.23.
Variant type: single nucleotide variant.
Coding change: c.3077G>A on transcript NM_000124.4 (MANE Select); coding-DNA position 3077, G replaced by A.
Protein change: p.Gly1026Glu; replaces glycine 1026 with glutamic acid.
Molecular consequence: missense variant.
Genome position (GRCh38, 1-based): chr10:49,470,883, C>T on the plus strand (G>A on the coding strand, the complement: ERCC6 is on the minus strand). VCF-style: chr10-49470883-C-T. GRCh37 (hg19) VCF-style: chr10-50678929-C-T.
Other names: c.3077G>A, p.Gly1026Glu (NM_001346440.2); short protein forms G1026E.
Identifiers: ClinVar variation 1957056 (VCV001957056.5), dbSNP rs373893264, ClinGen allele CA5495418.